The following is an entry in ClinVar:

ClinVar aggregate classification (germline): Uncertain significance (1 of 4 stars; one submission).

Allele frequency attached by ClinVar (database versions not stated): gnomAD exomes 0.00001.
gnomAD v4.1: 7 of 1,207,622 alleles (0.00058%); highest among the groups gnomAD compares: Non-Finnish European, 0.00072%; no homozygotes.

Submission:

Labcorp Genetics (formerly Invitae), Labcorp
Classification: Uncertain significance. Last evaluated: 2021-10-12. Review status: criteria provided, single submitter. Criteria: Invitae Variant Classification Sherloc (09022015). Collection method: clinical testing. Allele origin: germline.
Comment: This sequence change replaces proline with serine at codon 13 of the OTULIN protein (p.Pro13Ser). The proline residue is moderately conserved and there is a moderate physicochemical difference between proline and serine. The frequency data for this variant in the population databases is considered unreliable, as metrics indicate insufficient coverage at this position in the ExAC database. This variant has not been reported in the literature in individuals affected with OTULIN-related conditions. Algorithms developed to predict the effect of missense changes on protein structure and function (SIFT, PolyPhen-2, Align-GVGD) all suggest that this variant is likely to be tolerated. Algorithms developed to predict the effect of sequence changes on RNA splicing suggest that this variant may create or strengthen a splice site. In summary, the available evidence is currently insufficient to determine the role of this variant in disease. Therefore, it has been classified as a Variant of Uncertain Significance.

NM_138348.6(OTULIN):c.37C>T (p.Pro13Ser)

Gene: OTULIN (OTU deubiquitinase with linear linkage specificity; plus strand). Cytogenetic location: 5p15.2.
Variant type: single nucleotide variant.
Coding change: c.37C>T on transcript NM_138348.6 (MANE Select); coding-DNA position 37, C replaced by T.
Protein change: p.Pro13Ser; replaces proline 13 with serine.
Molecular consequence: missense variant.
Genome position (GRCh38, 1-based): chr5:14,664,862, C>T. VCF-style: chr5-14664862-C-T. GRCh37 (hg19) VCF-style: chr5-14664971-C-T.
Other names: short protein forms P13S.
Identifiers: ClinVar variation 1409582 (VCV001409582.3), dbSNP rs2126808718, ClinGen allele CA359242103.